The following is an entry in ClinVar:

NM_000520.6(HEXA):c.181C>T (p.Leu61Phe)

Gene: HEXA (hexosaminidase subunit alpha; minus strand). Cytogenetic location: 15q23.
Variant type: single nucleotide variant.
Coding change: c.181C>T on transcript NM_000520.6 (MANE Select); coding-DNA position 181, C replaced by T.
Protein change: p.Leu61Phe; replaces leucine 61 with phenylalanine.
Molecular consequence: missense variant. On other transcripts: non-coding transcript variant (1).
Genome position (GRCh38, 1-based): chr15:72,375,792, G>A on the plus strand (C>T on the coding strand, the complement: HEXA is on the minus strand). VCF-style: chr15-72375792-G-A. GRCh37 (hg19) VCF-style: chr15-72668133-G-A.
Other names: c.181C>T, p.Leu61Phe (NM_001318825.2); short protein forms L61F.
Identifiers: ClinVar variation 651332 (VCV000651332.6), dbSNP rs1595816175, ClinGen allele CA393070269.

ClinVar aggregate classification (germline): Uncertain significance (1 of 4 stars; one submission).

Conditions:
Tay-Sachs disease (TSD). Also called: HEXA DEFICIENCY; Hexosaminidase A Deficiency; HEXA Disorders; GM2 gangliosidosis, type 1; Hexosaminidase alpha-subunit deficiency (variant B); Sphingolipidosis, Tay-Sachs. Identifiers: Orphanet 845, MedGen C0039373, MONDO:0010100, OMIM 272800.

gnomAD v4.1: 1 of 1,614,240 alleles (0.000062%); highest among the groups gnomAD compares: Non-Finnish European, 0.000085%; no homozygotes.

Submission:

Labcorp Genetics (formerly Invitae), Labcorp
Classification: Uncertain significance for Tay-Sachs disease. Last evaluated: 2021-08-28. Review status: criteria provided, single submitter. Criteria: Invitae Variant Classification Sherloc (09022015). Collection method: clinical testing. Allele origin: germline.
Comment: This sequence change replaces leucine with phenylalanine at codon 61 of the HEXA protein (p.Leu61Phe). The leucine residue is highly conserved and there is a small physicochemical difference between leucine and phenylalanine. This variant is not present in population databases (ExAC no frequency). This variant has not been reported in the literature in individuals affected with HEXA-related conditions. Algorithms developed to predict the effect of missense changes on protein structure and function are either unavailable or do not agree on the potential impact of this missense change (SIFT: "Tolerated"; PolyPhen-2: "Probably Damaging"; Align-GVGD: "Class C0"). In summary, the available evidence is currently insufficient to determine the role of this variant in disease. Therefore, it has been classified as a Variant of Uncertain Significance.